The following is an entry in ClinVar:

NM_000531.6(OTC):c.809A>G (p.Gln270Arg)

Gene: OTC (ornithine transcarbamylase; plus strand). Cytogenetic location: Xp11.4.
Variant type: single nucleotide variant.
Coding change: c.809A>G on transcript NM_000531.6 (MANE Select); coding-DNA position 809, A replaced by G.
Protein change: p.Gln270Arg; replaces glutamine 270 with arginine.
Molecular consequence: missense variant.
Genome position (GRCh38, 1-based): chrX:38,408,967, A>G. VCF-style: chrX-38408967-A-G. GRCh37 (hg19) VCF-style: chrX-38268220-A-G.
Other names: NM_000531.6(OTC):c.809A>G; short protein forms Q270R.
Identifiers: ClinVar variation 129867 (VCV000129867.48), dbSNP rs1800328, ClinGen allele CA154208.

ClinVar aggregate classification (germline): Benign. Review status: reviewed by expert panel (3 of 4 stars). 19 submissions from 19 submitters: Benign (1). 18 of the submissions do not count toward it. Last evaluated 2026-09-15.

Conditions:
Inborn genetic diseases. Identifiers: MedGen C0950123, MeSH D030342.
Ornithine carbamoyltransferase deficiency (OTCD). Also called: Ornithine Carbamoyltransferase Deficiency Disease; ORNITHINE TRANSCARBAMYLASE DEFICIENCY; OTC DEFICIENCY; ORNITHINE TRANSCARBAMYLASE DEFICIENCY, HYPERAMMONEMIA DUE TO. Identifiers: Orphanet 664, MedGen C0268542, MONDO:0010703, OMIM 311250.

Allele frequency attached by ClinVar (database versions not stated): 1000 Genomes Project 30x 0.01498; 1000 Genomes Project 0.01669; gnomAD 0.02796 and 0.02868; TOPMed 0.02907; ExAC 0.02931; gnomAD exomes 0.02946 and 0.03712; ESP Exome Variant Server 0.03324.

Submissions (19):

Clingen Urea Cycle Disorders Variant Curation Expert Panel, ClinGen
Classification: Benign for Ornithine carbamoyltransferase deficiency. Last evaluated: 2026-09-15. Review status: reviewed by expert panel. Criteria: ClinGen UreaCycles ACMG Specifications OTC V1.0. Collection method: curation. Allele origin: germline. Inheritance: X-linked inheritance.
Comment: The NM_000531.6:c.809A>G (p.Gln270ARg) is a missense OTC variant in exon 8. The frequency of the G (Arg) allele is greater than 1% in European (Finish and non-Finish), other, Ashkenazi Jewish, Latino, and South Asian populations as determined by the Grpmax Filtering Allele Frequency (0.04378). Allele frequency >1% in any population meets the OTC threshold for BA1 (-8pts). The G (Arg) allele has been observed in >10 homozygous females and >10 hemizygous males in gnomAD v.4.1.0. As a result, this variant meets this criterion. The computational predictor REVEL gives a score of 0.836, which is between 0.773 and 0.932, evidence that correlates with Moderate impact on OTC function (PP3_Moderate), however functional assays in yeast model system demonstrate this variant does not impair growth (96% versus wild-type) (PMID: 37146589) (BS3_Moderate). In summary, this variant meets the criteria to be classified as a benign variant for X- linked OTC deficiency. ACMG/AMP criteria applied, as specified by the ClinGen Urea Cycle Disorders VCEP (OTC specifications version 1.0.0): BA1 (-8), BS3_Moderate (-2), PP3_Moderate (+2)

Labcorp Genetics (formerly Invitae), Labcorp
Classification: Benign for Ornithine carbamoyltransferase deficiency. Last evaluated: 2026-02-04. Review status: criteria provided, single submitter. Criteria: Invitae Variant Classification Sherloc (09022015). Collection method: clinical testing. Allele origin: germline. Not counted in ClinVar's aggregate classification.

Mayo Clinic Laboratories, Mayo Clinic
Classification: Benign. Last evaluated: 2025-01-28. Review status: criteria provided, single submitter. Criteria: ACMG Guidelines, 2015. Collection method: clinical testing. Allele origin: germline. Observed: 27 variant alleles. Not counted in ClinVar's aggregate classification.
Comment: BA1, PP3

Fulgent Genetics
Classification: Benign for Ornithine carbamoyltransferase deficiency. Last evaluated: 2022-04-22. Review status: criteria provided, single submitter. Criteria: ACMG Guidelines, 2015. Collection method: clinical testing. Allele origin: unknown. Not counted in ClinVar's aggregate classification.

Genetic Services Laboratory, University of Chicago
Classification: Benign. Last evaluated: 2022-01-19. Review status: criteria provided, single submitter. Criteria: ACMG Guidelines, 2015. Collection method: clinical testing. Allele origin: germline. Affected: no. Not counted in ClinVar's aggregate classification.

Laboratory for Molecular Medicine, Mass General Brigham Personalized Medicine
Classification: Benign. Last evaluated: 2021-06-10. Review status: criteria provided, single submitter. Criteria: ACMG Guidelines, 2015. Collection method: clinical testing. Allele origin: germline. Not counted in ClinVar's aggregate classification.
Comment: The p.Gln270Arg variant in OTC is classified as benign because it has been identified in 4.37% (4039/92426) of European chromosomes by gnomAD. ACMG/AMP Criteria applied: BA1.

Genome-Nilou Lab
Classification: Benign for Ornithine carbamoyltransferase deficiency. Last evaluated: 2021-05-18. Review status: criteria provided, single submitter. Criteria: ACMG Guidelines, 2015. Collection method: clinical testing. Allele origin: germline. Affected: no. Not counted in ClinVar's aggregate classification.

Mendelics
Classification: Benign for Ornithine carbamoyltransferase deficiency. Last evaluated: 2019-05-28. Review status: criteria provided, single submitter. Criteria: Mendelics Assertion Criteria 2017. Collection method: clinical testing. Allele origin: unknown. Not counted in ClinVar's aggregate classification.

Women's Health and Genetics/Laboratory Corporation of America, LabCorp
Classification: Benign. Last evaluated: 2019-03-14. Review status: criteria provided, single submitter. Criteria: LabCorp Variant Classification Summary - May 2015. Collection method: clinical testing. Allele origin: germline. Not counted in ClinVar's aggregate classification.
Comment: Variant summary: OTC c.809A>G (p.Gln270Arg) results in a conservative amino acid change located in the Aspartate/ornithine carbamoyltransferase, Asp/Orn-binding domain (IPR006131) of the encoded protein sequence. Three of five in-silico tools predict a damaging effect of the variant on protein function. The variant allele was found at a frequency of 0.029 in 200020 control chromosomes, predominantly at a frequency of 0.043 within the Non-Finnish European subpopulation (including 50 homozygotes) and at a frequency of 0.035 within Finnish European subpopulation (6 homozygotes) in the gnomAD database. The observed variant frequency within Non-Finnish/Finnish European control individuals in the gnomAD database is approximately 9 and 8 fold of the estimated maximal expected allele frequency for a pathogenic variant in OTC causing Ornithine Transcarbamylase Deficiency phenotype (0.0046) respectively, strongly suggesting that the variant is a benign polymorphism found primarily in populations of Non-Finnish/Finnish European origin. The variant c.809A>G has been reported in the literature in individuals affected with Ornithine Transcarbamylase Deficiency without strong evidence of causality (Reish_1993, Dobrowolski_2007). To our knowledge, no experimental evidence demonstrating an impact on protein function has been reported. Five clinical diagnostic laboratories have submitted clinical-significance assessments for this variant to ClinVar after 2014 without evidence for independent evaluation (X4 Benign/likely benign and 1X uncertain significance). Based on the evidence outlined above, the variant was classified as benign.

ARUP Laboratories, Molecular Genetics and Genomics, ARUP Laboratories
Classification: Benign for Ornithine carbamoyltransferase deficiency. Last evaluated: 2018-08-03. Review status: criteria provided, single submitter. Criteria: ARUP Molecular Germline Variant Investigation Process. Collection method: clinical testing. Allele origin: germline. Not counted in ClinVar's aggregate classification.

Illumina Laboratory Services, Illumina
Classification: Benign for Ornithine carbamoyltransferase deficiency. Last evaluated: 2018-03-06. Review status: criteria provided, single submitter. Criteria: ICSL Variant Classification Criteria 13 December 2019. Collection method: clinical testing. Allele origin: germline. Not counted in ClinVar's aggregate classification.
Comment: This variant was observed in the ICSL laboratory as part of a predisposition screen in an ostensibly healthy population. It had not been previously curated by ICSL or reported in the Human Gene Mutation Database (HGMD: prior to June 1st, 2018), and was therefore a candidate for classification through an automated scoring system. Utilizing variant allele frequency, disease prevalence and penetrance estimates, and inheritance mode, an automated score was calculated to assess if this variant is too frequent to cause the disease. Based on the score and internal cut-off values, a variant classified as benign is not then subjected to further curation. The score for this variant resulted in a classification of benign for this disease.

Color Diagnostics, LLC DBA Color Health
Classification: Benign for Ornithine carbamoyltransferase deficiency. Last evaluated: 2018-03-05. Review status: criteria provided, single submitter. Criteria: ACMG Guidelines, 2015. Collection method: clinical testing. Allele origin: germline. Not counted in ClinVar's aggregate classification.

Genomic Diagnostic Laboratory, Division of Genomic Diagnostics, Children's Hospital of Philadelphia
Classification: Benign. Last evaluated: 2015-11-20. Review status: criteria provided, single submitter. Criteria: DGD Variant Analysis Guidelines. Collection method: clinical testing. Allele origin: unknown. Not counted in ClinVar's aggregate classification.

GeneDx
Classification: Benign. Last evaluated: 2015-03-03. Review status: criteria provided, single submitter. Criteria: GeneDx Variant Classification Process June 2021. Collection method: clinical testing. Allele origin: germline. Affected: yes. Not counted in ClinVar's aggregate classification.
Comment: This variant is associated with the following publications: (PMID: 28324312, 30612563, 29961769)

Ambry Genetics
Classification: Benign for Inborn genetic diseases. Last evaluated: 2014-12-13. Review status: criteria provided, single submitter. Criteria: Ambry Variant Classification Scheme 2023. Collection method: clinical testing. Allele origin: germline. Not counted in ClinVar's aggregate classification.

Breakthrough Genomics
Classification: Likely benign. Review status: criteria provided, single submitter. Criteria: ACMG Guidelines, 2015. Collection method: not provided. Allele origin: germline. Inheritance: X-linked inheritance. Affected: yes. Not counted in ClinVar's aggregate classification.

PreventionGenetics, part of Exact Sciences
Classification: Likely benign. Review status: criteria provided, single submitter. Criteria: ACMG Guidelines, 2015. Collection method: clinical testing. Allele origin: germline. Not counted in ClinVar's aggregate classification.

Natera, Inc.
Classification: Likely benign for Ornithine transcarbamylase deficiency. Last evaluated: 2019-11-26. Review status: no assertion criteria provided. Collection method: clinical testing. Allele origin: germline. Not counted in ClinVar's aggregate classification.

SingHealth Duke-NUS Institute of Precision Medicine
Classification: Uncertain significance for Ornithine carbamoyltransferase deficiency. Last evaluated: 2017-06-07. Review status: no assertion criteria provided. Collection method: curation. Allele origin: germline. Affected: no. Not counted in ClinVar's aggregate classification.

Literature cited by the submitters: PubMed 37146589 (cited by Clingen Urea Cycle Disorders Variant Curation Expert Panel, ClinGen and Mayo Clinic Laboratories, Mayo Clinic); PubMed 1480464 (cited by Laboratory for Molecular Medicine, Mass General Brigham Personalized Medicine); PubMed 17565723 (cited by Women's Health and Genetics/Laboratory Corporation of America, LabCorp); PubMed 8260194 (cited by Women's Health and Genetics/Laboratory Corporation of America, LabCorp).